The following is an entry in ClinVar:

ClinVar aggregate classification (germline): Likely pathogenic (1 of 4 stars; one submission).

Submission:

Labcorp Genetics (formerly Invitae), Labcorp
Classification: Likely pathogenic. Last evaluated: 2023-06-20. Review status: criteria provided, single submitter. Criteria: Invitae Variant Classification Sherloc (09022015). Collection method: clinical testing. Allele origin: germline.
Comment: This sequence change affects a donor splice site in intron 26 of the UNC80 gene. It is expected to disrupt RNA splicing. Variants that disrupt the donor or acceptor splice site typically lead to a loss of protein function (PMID: 16199547), and loss-of-function variants in UNC80 are known to be pathogenic (PMID: 26545877, 26708751, 26708753). This variant is not present in population databases (gnomAD no frequency). This variant has not been reported in the literature in individuals affected with UNC80-related conditions. Algorithms developed to predict the effect of sequence changes on RNA splicing suggest that this variant may disrupt the consensus splice site. In summary, the currently available evidence indicates that the variant is pathogenic, but additional data are needed to prove that conclusively. Therefore, this variant has been classified as Likely Pathogenic.

Literature cited by the submitters: PubMed 16199547; PubMed 26545877; PubMed 26708751; PubMed 26708753.

NM_001371986.1(UNC80):c.4276+1G>T

Gene: UNC80 (unc-80 subunit of NALCN channel complex; plus strand). Cytogenetic location: 2q34.
Variant type: single nucleotide variant.
Coding change: c.4276+1G>T on transcript NM_001371986.1 (MANE Select); the canonical splice donor site of the intron after coding-DNA position 4276, G replaced by T.
Molecular consequence: splice donor variant.
Genome position (GRCh38, 1-based): chr2:209,888,261, G>T. VCF-style: chr2-209888261-G-T. GRCh37 (hg19) VCF-style: chr2-210752985-G-T.
Other names: c.4282+1G>T (NM_032504.2); c.4267+1G>T (NM_182587.4).
Identifiers: ClinVar variation 2720242 (VCV002720242.3), dbSNP rs2471078472, ClinGen allele CA350750355.